The following is an entry in ClinVar:

NM_012144.4(DNAI1):c.1319G>A (p.Trp440Ter)

Gene: DNAI1 (dynein axonemal intermediate chain 1; plus strand). Cytogenetic location: 9p13.3.
Variant type: single nucleotide variant.
Coding change: c.1319G>A on transcript NM_012144.4 (MANE Select); coding-DNA position 1319, G replaced by A.
Protein change: p.Trp440Ter; replaces tryptophan 440 with a stop codon.
Molecular consequence: nonsense.
Genome position (GRCh38, 1-based): chr9:34,512,116, G>A. VCF-style: chr9-34512116-G-A. GRCh37 (hg19) VCF-style: chr9-34512114-G-A.
Other names: c.1331G>A, p.Trp444Ter (NM_001281428.2); short protein forms W440*, W444*.
Identifiers: ClinVar variation 2832022 (VCV002832022.4), dbSNP rs939569468, ClinGen allele CA192649927.

ClinVar aggregate classification (germline): Pathogenic/Likely pathogenic. Review status: criteria provided, multiple submitters, no conflicts (2 of 4 stars). 2 submissions from 2 submitters: Pathogenic (1); Likely pathogenic (1). Last evaluated 2024-03-12.

Conditions:
Kartagener syndrome (CILD1). Also called: CILIARY DYSKINESIA, PRIMARY, 1; CILIARY DYSKINESIA, PRIMARY, 1, WITH OR WITHOUT SITUS INVERSUS; IMMOTILE CILIA SYNDROME; POLYNESIAN BRONCHIECTASIS; Dextrocardia bronchiectasis and sinusitis; SIEWERT SYNDROME. Identifiers: Orphanet 244, MedGen C4551906, MONDO:0009484, OMIM 244400.
Primary ciliary dyskinesia. Also called: Ciliary dyskinesia. Identifiers: Orphanet 244, MedGen C0008780, MONDO:0016575, HP:0012265.

Submissions (2):

Fulgent Genetics
Classification: Likely pathogenic for Kartagener syndrome. Last evaluated: 2024-03-12. Review status: criteria provided, single submitter. Criteria: ACMG Guidelines, 2015. Collection method: clinical testing. Allele origin: germline.

Labcorp Genetics (formerly Invitae), Labcorp
Classification: Pathogenic for Primary ciliary dyskinesia. Last evaluated: 2023-01-26. Review status: criteria provided, single submitter. Criteria: Invitae Variant Classification Sherloc (09022015). Collection method: clinical testing. Allele origin: germline.
Comment: This variant is not present in population databases (gnomAD no frequency). This sequence change creates a premature translational stop signal (p.Trp440*) in the DNAI1 gene. It is expected to result in an absent or disrupted protein product. Loss-of-function variants in DNAI1 are known to be pathogenic (PMID: 16858015, 29363216). This variant has not been reported in the literature in individuals affected with DNAI1-related conditions. For these reasons, this variant has been classified as Pathogenic.

Literature cited by the submitters: PubMed 16858015 (cited by Labcorp Genetics (formerly Invitae), Labcorp); PubMed 29363216 (cited by Labcorp Genetics (formerly Invitae), Labcorp).